The following is an entry in ClinVar:

NM_001375808.2(LPIN2):c.1896_1898del (p.Thr633del)

Gene: LPIN2 (lipin 2; minus strand). Cytogenetic location: 18p11.31.
Variant type: Deletion.
Coding change: c.1896_1898del on transcript NM_001375808.2 (MANE Select); coding-DNA positions 1896 to 1898, 3 bases deleted (AAC; older notation c.1896_1898delAAC).
Protein change: p.Thr633del; deletes threonine 633.
Genome position (GRCh38, 1-based): chr18:2,925,264-2,925,266, GTT deleted on the plus strand (AAC on the coding strand, the reverse complement: LPIN2 is on the minus strand); deleting any 3 consecutive bases within chr18:2,925,264-2,925,268 gives the same sequence; the c. name uses the placement nearest the transcript's 3' end. VCF-style (leftmost placement, unchanged base first): chr18-2925263-AGTT-A. GRCh37 (hg19) VCF-style: chr18-2925261-AGTT-A.
Other names: c.1896_1898del, p.Thr633del (NM_001375809.1, NM_014646.2); short protein forms T633del.
Identifiers: ClinVar variation 3767073 (VCV003767073.2).

ClinVar aggregate classification (germline): Uncertain significance. Review status: criteria provided, multiple submitters, no conflicts (2 of 4 stars). 2 submissions from 2 submitters: Uncertain significance (2). Last evaluated 2024-09-27.

Conditions:
Majeed syndrome (MJDS). Also called: CHRONIC RECURRENT MULTIFOCAL OSTEOMYELITIS 1, WITH CONGENITAL DYSERYTHROPOIETIC ANEMIA, WITH OR WITHOUT NEUTROPHILIC DERMATOSIS; LPIN2-Related Majeed Syndrome. Identifiers: Orphanet 77297, MedGen C1864997, MONDO:0012316, OMIM 609628.

Submissions (2):

ARUP Laboratories, Molecular Genetics and Genomics, ARUP Laboratories
Classification: Uncertain significance for Majeed syndrome. Last evaluated: 2024-09-27. Review status: criteria provided, single submitter. Criteria: ARUP Molecular Germline Variant Investigation Process 2024. Collection method: clinical testing. Allele origin: germline.
Comment: The LPIN2 c.1896_1898del; p.Thr633del variant (rs1806898553), to our knowledge, is not reported in the medical literature or gene specific databases. This variant is also absent from the Genome Aggregation Database (v2.1.1), indicating it is not a common polymorphism. This variant deletes a single threonine residue leaving the rest of the protein in-frame. Due to limited information, the clinical significance of this variant is uncertain at this time.

Revvity Omics, Revvity
Classification: Uncertain significance for Majeed syndrome. Last evaluated: 2024-01-23. Review status: criteria provided, single submitter. Criteria: ACMG Guidelines, 2015. Collection method: clinical testing. Allele origin: germline.